The following is an entry in ClinVar:

ClinVar aggregate classification (germline): Pathogenic (1 of 4 stars; one submission).

Conditions:
Intellectual developmental disorder, autosomal dominant 30, with speech delay and behavioral abnormalities. Also called: Intellectual disability, autosomal dominant 30. Identifiers: Orphanet 436151, MedGen C4015167, MONDO:0014486, OMIM 616083.

Submission:

Institute of Human Genetics, University of Leipzig Medical Center
Classification: Pathogenic for Intellectual developmental disorder, autosomal dominant 30, with speech delay and behavioral abnormalities. Last evaluated: 2021-04-13. Review status: criteria provided, single submitter. Criteria: ACMG Guidelines, 2015. Collection method: clinical testing. Allele origin: de novo. Inheritance: Sporadic. Affected: yes.
Comment: Hypertelorism, epicanthus, bilateral prominent eyebrows in a bow, flat nasal bridge, bulbous nasal tip, anteverted nares, thin vermillion of the upper lip, recessive chin. Short hands, fingers, feet and toes. Sandal gap bilaterally

NM_001370100.5(ZMYND11):c.1687-1G>A

Gene: ZMYND11 (zinc finger MYND-type containing 11; plus strand). Cytogenetic location: 10p15.3.
Variant type: single nucleotide variant.
Coding change: c.1687-1G>A on transcript NM_001370100.5 (MANE Select); the canonical splice acceptor site of the intron before coding-DNA position 1687, G replaced by A.
Molecular consequence: splice acceptor variant.
Genome position (GRCh38, 1-based): chr10:252,347, G>A. VCF-style: chr10-252347-G-A. GRCh37 (hg19) VCF-style: chr10-298287-G-A.
Other names: c.1525-1G>A (NM_001370103.2, NM_001370104.2, NM_001370105.2 and 5 more transcripts); c.1687-1G>A (NM_006624.7, NM_001370098.2, NM_001370097.3 and 3 more transcripts); c.1540-1G>A (NM_001370119.2); c.1567-1G>A (NM_001370118.2); c.1594-1G>A (NM_001370113.2, NM_001370114.2); c.1636-1G>A (NM_001330057.3, NM_001370112.2); c.1684-1G>A (NM_001370115.2); c.1522-1G>A (NM_001202466.3, NM_001370111.2); and 8 more.
Identifiers: ClinVar variation 1064579 (VCV001064579.1), dbSNP rs2132045372, ClinGen allele CA375824394.